The following is an entry in ClinVar:

ClinVar aggregate classification (germline): Uncertain significance (1 of 4 stars; one submission).

Conditions:
Dilated cardiomyopathy 1O (CMD1O). Also called: CARDIOMYOPATHY, DILATED, WITH VENTRICULAR TACHYCARDIA. Identifiers: Orphanet 154, MedGen C1837839, MONDO:0012062, OMIM 608569.

Submission:

Labcorp Genetics (formerly Invitae), Labcorp
Classification: Uncertain significance for Dilated cardiomyopathy 1O. Last evaluated: 2022-11-05. Review status: criteria provided, single submitter. Criteria: Invitae Variant Classification Sherloc (09022015). Collection method: clinical testing. Allele origin: germline.
Comment: In summary, the available evidence is currently insufficient to determine the role of this variant in disease. Therefore, it has been classified as a Variant of Uncertain Significance. Advanced modeling of protein sequence and biophysical properties (such as structural, functional, and spatial information, amino acid conservation, physicochemical variation, residue mobility, and thermodynamic stability) performed at Invitae indicates that this missense variant is not expected to disrupt ABCC9 protein function. This variant has not been reported in the literature in individuals affected with ABCC9-related conditions. This variant is not present in population databases (gnomAD no frequency). This sequence change replaces aspartic acid, which is acidic and polar, with asparagine, which is neutral and polar, at codon 1316 of the ABCC9 protein (p.Asp1316Asn).

NM_020297.4(ABCC9):c.3946G>A (p.Asp1316Asn)

Genes: ABCC9 (ATP binding cassette subfamily C member 9; minus strand), KCNJ8-AS1 (KCNJ8 antisense RNA 1; plus strand). Cytogenetic location: 12p12.1.
Variant type: single nucleotide variant.
Coding change: c.3946G>A on transcript NM_020297.4 (MANE Select); coding-DNA position 3946, G replaced by A.
Protein change: p.Asp1316Asn; replaces aspartic acid 1316 with asparagine.
Molecular consequence: missense variant.
Genome position (GRCh38, 1-based): chr12:21,815,840, C>T on the plus strand (G>A on the coding strand, the complement: ABCC9 is on the minus strand). VCF-style: chr12-21815840-C-T. GRCh37 (hg19) VCF-style: chr12-21968774-C-T.
Other names: c.3946G>A, p.Asp1316Asn (NM_001377273.1, NM_005691.4); c.3079G>A, p.Asp1027Asn (NM_001377274.1); short protein forms D1316N, D1027N.
Identifiers: ClinVar variation 2877703 (VCV002877703.3), dbSNP rs760679890, ClinGen allele CA384136217.
Genomic context (GRCh38, chr12:21,815,840, plus strand): 5'-TGTAAGCCTTGACGTGCTTAAGAACAGGTTTCAGATTATTTTCATATCTGACACACAGAT[C>T]ATGTATCTTGATCTCCCCTTCTTGTGGCCAATGTTCTGGAACTTGAGAAGGATCTGGAGG-3'
Protein context (NP_064693.2, residues 1306-1326): WPQEGEIKIH[Asp1316Asn]LCVRYENNLK